The following is an entry in ClinVar:

NM_018896.5(CACNA1G):c.3476G>A (p.Arg1159His)

Gene: CACNA1G (calcium voltage-gated channel subunit alpha1 G; plus strand). Cytogenetic location: 17q21.33.
Variant type: single nucleotide variant.
Coding change: c.3476G>A on transcript NM_018896.5 (MANE Select); coding-DNA position 3476, G replaced by A.
Protein change: p.Arg1159His; replaces arginine 1159 with histidine.
Molecular consequence: missense variant. On other transcripts: non-coding transcript variant (5).
Genome position (GRCh38, 1-based): chr17:50,599,645, G>A. VCF-style: chr17-50599645-G-A. GRCh37 (hg19) VCF-style: chr17-48677006-G-A.
Other names: p.Arg1159His; c.3476G>A, p.Arg1159His (NM_001256324.2, NM_001256325.2, NM_001256326.2 and 16 more transcripts); c.3407G>A, p.Arg1136His (NM_001256332.2, NM_198376.3, NM_198379.3 and 5 more transcripts); short protein forms R1136H, R1159H.
Identifiers: ClinVar variation 2289113 (VCV002289113.6), dbSNP rs181588882, ClinGen allele CA291620202.

ClinVar aggregate classification (germline): Conflicting classifications of pathogenicity. Review status: criteria provided, conflicting classifications (1 of 4 stars). 3 submissions from 3 submitters: Likely pathogenic (1); Uncertain significance (2). Last evaluated 2026-06-01.

Conditions:
Inborn genetic diseases. Identifiers: MedGen C0950123, MeSH D030342.
Spinocerebellar ataxia type 42. Identifiers: Orphanet 458803, MedGen C4225205, MONDO:0014776, OMIM 616795.

Allele frequency attached by ClinVar (database versions not stated): 1000 Genomes Project 30x 0.00016; 1000 Genomes Project 0.00020.
gnomAD v4.1: 57 of 1,612,884 alleles (0.0035%); highest among the groups gnomAD compares: Middle Eastern, 0.017%; no homozygotes.

Submissions (3):

CeGaT Center for Human Genetics Tuebingen
Classification: Uncertain significance. Last evaluated: 2026-06-01. Review status: criteria provided, single submitter. Criteria: CeGaT Center For Human Genetics Tuebingen Variant Classification Criteria Version 2. Collection method: clinical testing. Allele origin: germline. Affected: yes. Observed: 1 variant allele.

Medical Genetics Clinic, University of Catania
Classification: Likely pathogenic for Spinocerebellar ataxia type 42. Last evaluated: 2026-02-27. Review status: criteria provided, single submitter. Criteria: ACMG Guidelines, 2015. Collection method: clinical testing. Allele origin: unknown. Inheritance: Autosomal dominant inheritance. Affected: yes. Observed: 1 variant allele, 1 heterozygote.
Comment: The c.3476G>A variant in the CACNA1G gene is located in exon 17 of 38. This variant causes the substitution of a Arginine with a Histidine at position 1159 (p.Arg1159His). In silico prediction tools suggest it may cause a detrimental effect on the structure/acitivity of the protein (FATHMM and MetaLR: deleterious supporting, SIFT: 0,14 tolerated, low confidence). GnomAD Exomes frequency is 0.00000817. In the light of the above and the clinical features we observed the c.3476G>A variant in the CACNA1G gene has been classified as a Likely Pathogenic Variant.

Ambry Genetics
Classification: Uncertain significance for Inborn genetic diseases. Last evaluated: 2025-11-05. Review status: criteria provided, single submitter. Criteria: Ambry Variant Classification Scheme 2023. Collection method: clinical testing. Allele origin: germline.